The following is an entry in ClinVar:

ClinVar aggregate classification (germline): Uncertain significance. Review status: criteria provided, multiple submitters, no conflicts (2 of 4 stars). 2 submissions from 2 submitters: Uncertain significance (2). Last evaluated 2026-04-14.

Conditions:
Familial intrahepatic cholestasis. Identifiers: Orphanet 284385, MedGen CN296401, MONDO:0017290.

Submissions (2):

Genomenon, Inc
Classification: Uncertain significance for Familial intrahepatic cholestasis. Last evaluated: 2026-04-14. Review status: criteria provided, single submitter. Criteria: Genomenon Sequence Variant Interpretation Standards - Updated. Collection method: curation. Allele origin: germline. Affected: yes.
Comment: ABCB4 p.Gln458Pro (c.1373A>C) is a missense variant that changes the amino acid at residue 458 from Glutamine to Proline. This variant has been observed in at least one proband with an ABCB4-related disorder (PMID:37701337). It is absent or not present at a significant frequency in gnomAD. In silico models predict that this variant is possibly or probably damaging. In conclusion, we classify ABCB4 p.Gln458Pro (c.1373A>C) as a variant of uncertain significance.

Eurofins Ntd Llc (ga)
Classification: Uncertain significance. Last evaluated: 2016-12-20. Review status: criteria provided, single submitter. Criteria: EGL Classification Definitions 2015. Collection method: clinical testing. Allele origin: germline. Observed: 1 variant allele, 1 heterozygote.

Literature cited by the submitters: PubMed 37701337 (cited by Genomenon, Inc).

NM_000443.4(ABCB4):c.1373A>C (p.Gln458Pro)

Gene: ABCB4 (ATP binding cassette subfamily B member 4; minus strand). Cytogenetic location: 7q21.12.
Variant type: single nucleotide variant.
Coding change: c.1373A>C on transcript NM_000443.4 (MANE Select); coding-DNA position 1373, A replaced by C.
Protein change: p.Gln458Pro; replaces glutamine 458 with proline.
Molecular consequence: missense variant.
Genome position (GRCh38, 1-based): chr7:87,440,386, T>G on the plus strand (A>C on the coding strand, the complement: ABCB4 is on the minus strand). VCF-style: chr7-87440386-T-G. GRCh37 (hg19) VCF-style: chr7-87069702-T-G.
Other names: c.1373A>C, p.Gln458Pro (NM_018849.3, NM_018850.3); short protein forms Q458P.
Identifiers: ClinVar variation 499340 (VCV000499340.6), dbSNP rs1554406652, ClinGen allele CA368042924.